The following is an entry in ClinVar:

ClinVar aggregate classification (germline): Likely pathogenic (1 of 4 stars; one submission).

Conditions:
Ehlers-Danlos syndrome, classic type, 1 (EDSCL1). Also called: EHLERS-DANLOS SYNDROME, GRAVIS TYPE; EHLERS-DANLOS SYNDROME, SEVERE CLASSIC TYPE; EDS I; Ehlers-Danlos Syndrome, Classic Type, COL5A1-Related; Ehlers-Danlos syndrome, type 1. Identifiers: MedGen C0268335, MONDO:0019567, OMIM 130000.

Submission:

Labcorp Genetics (formerly Invitae), Labcorp
Classification: Likely pathogenic for Ehlers-Danlos syndrome, classic type, 1. Last evaluated: 2020-02-03. Review status: criteria provided, single submitter. Criteria: Invitae Variant Classification Sherloc (09022015). Collection method: clinical testing. Allele origin: germline.
Comment: In summary, the currently available evidence indicates that the variant is pathogenic, but additional data are needed to prove that conclusively. Therefore, this variant has been classified as Likely Pathogenic. Donor and acceptor splice site variants typically lead to a loss of protein function (PMID: 16199547), and loss-of-function variants in COL5A1 are known to be pathogenic (PMID: 23587214). Algorithms developed to predict the effect of sequence changes on RNA splicing suggest that this variant may disrupt the consensus splice site, but this prediction has not been confirmed by published transcriptional studies. This variant has not been reported in the literature in individuals with COL5A1-related conditions. This variant is not present in population databases (ExAC no frequency). This sequence change affects a donor splice site in intron 12 of the COL5A1 gene. It is expected to disrupt RNA splicing and likely results in an absent or disrupted protein product.

Literature cited by the submitters: PubMed 16199547; PubMed 23587214.

NM_000093.5(COL5A1):c.1569+1G>A

Gene: COL5A1 (collagen type V alpha 1 chain; plus strand). Cytogenetic location: 9q34.3.
Variant type: single nucleotide variant.
Coding change: c.1569+1G>A on transcript NM_000093.5 (MANE Select); the canonical splice donor site of the intron after coding-DNA position 1569, G replaced by A.
Molecular consequence: splice donor variant.
Genome position (GRCh38, 1-based): chr9:134,750,617, G>A. VCF-style: chr9-134750617-G-A. GRCh37 (hg19) VCF-style: chr9-137642463-G-A.
Other names: c.1569+1G>A (NM_001278074.1).
Identifiers: ClinVar variation 1068387 (VCV001068387.46), dbSNP rs2132682690, ClinGen allele CA375443713.